The following is an entry in ClinVar:

ClinVar aggregate classification (germline): Uncertain significance (1 of 4 stars; one submission).

Allele frequency attached by ClinVar (database versions not stated): TOPMed below 0.00001; gnomAD exomes 0.00001.
gnomAD v4.1: 2 of 1,208,732 alleles (0.00017%); highest among the groups gnomAD compares: Non-Finnish European, 0.00022%; no homozygotes.

Submission:

GeneDx
Classification: Uncertain significance. Last evaluated: 2020-06-10. Review status: criteria provided, single submitter. Criteria: GeneDx Variant Classification Process June 2021. Collection method: clinical testing. Allele origin: germline. Affected: yes.
Comment: Has not been previously published as pathogenic or benign to our knowledge; Not observed at a significant frequency in large population cohorts (Lek et al., 2016); In silico analysis supports that this missense variant does not alter protein structure/function

NM_005120.3(MED12):c.2116G>A (p.Val706Ile)

Gene: MED12 (mediator complex subunit 12; plus strand). Cytogenetic location: Xq13.1.
Variant type: single nucleotide variant.
Coding change: c.2116G>A on transcript NM_005120.3 (MANE Select); coding-DNA position 2116, G replaced by A.
Protein change: p.Val706Ile; replaces valine 706 with isoleucine.
Molecular consequence: missense variant.
Genome position (GRCh38, 1-based): chrX:71,125,036, G>A. VCF-style: chrX-71125036-G-A. GRCh37 (hg19) VCF-style: chrX-70344886-G-A.
Other names: short protein forms V706I.
Identifiers: ClinVar variation 1204995 (VCV001204995.3), dbSNP rs1300750523, ClinGen allele CA413511248.
Genomic context (GRCh38, chrX:71,125,036, plus strand): 5'-TTGTTCTCCCCTACTATGCCCTGTGAGGGGAAGGGCAGTCCATCCCCTGAGAAGCCAGAT[G>A]TCGAGAAGGAGGTGAAGCCCCCACCCAAGGAGAAGATTGAAGGGACCCTTGGGGTTCTTT-3'
Protein context (NP_005111.2, residues 696-716): KGSPSPEKPD[Val706Ile]EKEVKPPPKE